The following is an entry in ClinVar:

ClinVar aggregate classification (germline): Uncertain significance (1 of 4 stars; one submission).

Conditions:
Intellectual developmental disorder, X-linked 1. Also called: Atkin Flaitz Patil Smith syndrome; MENTAL RETARDATION, X-LINKED 18; MENTAL RETARDATION, X-LINKED 78; Intellectual disability, X-linked 1. Identifiers: Orphanet 777, MedGen C2931498, MONDO:0010656, OMIM 309530.

Submission:

Labcorp Genetics (formerly Invitae), Labcorp
Classification: Uncertain significance for Intellectual developmental disorder, X-linked 1. Last evaluated: 2024-08-08. Review status: criteria provided, single submitter. Criteria: Invitae Variant Classification Sherloc (09022015). Collection method: clinical testing. Allele origin: germline.
Comment: This sequence change replaces proline, which is neutral and non-polar, with serine, which is neutral and polar, at codon 268 of the IQSEC2 protein (p.Pro268Ser). This variant is not present in population databases (gnomAD no frequency). This variant has not been reported in the literature in individuals affected with IQSEC2-related conditions. Advanced modeling of protein sequence and biophysical properties (such as structural, functional, and spatial information, amino acid conservation, physicochemical variation, residue mobility, and thermodynamic stability) performed at Invitae indicates that this missense variant is not expected to disrupt IQSEC2 protein function with a negative predictive value of 95%. In summary, the available evidence is currently insufficient to determine the role of this variant in disease. Therefore, it has been classified as a Variant of Uncertain Significance.

NM_001111125.3(IQSEC2):c.802C>T (p.Pro268Ser)

Gene: IQSEC2 (IQ motif and Sec7 domain ArfGEF 2; minus strand). Cytogenetic location: Xp11.22.
Variant type: single nucleotide variant.
Coding change: c.802C>T on transcript NM_001111125.3 (MANE Select); coding-DNA position 802, C replaced by T.
Protein change: p.Pro268Ser; replaces proline 268 with serine.
Molecular consequence: missense variant.
Genome position (GRCh38, 1-based): chrX:53,255,997, G>A on the plus strand (C>T on the coding strand, the complement: IQSEC2 is on the minus strand). VCF-style: chrX-53255997-G-A. GRCh37 (hg19) VCF-style: chrX-53285179-G-A.
Other names: c.187C>T, p.Pro63Ser (NM_015075.2); c.802C>T, p.Pro268Ser (NM_001410736.1); short protein forms P268S, P63S.
Identifiers: ClinVar variation 3634909 (VCV003634909.2).